The following is an entry in ClinVar:

ClinVar aggregate classification (germline): Uncertain significance (1 of 4 stars; one submission).

Submission:

GeneDx
Classification: Uncertain significance. Last evaluated: 2023-04-26. Review status: criteria provided, single submitter. Criteria: GeneDx Variant Classification Process June 2021. Collection method: clinical testing. Allele origin: germline. Affected: yes.
Comment: Not observed at significant frequency in large population cohorts (gnomAD); In silico analysis supports that this missense variant does not alter protein structure/function; Has not been previously published as pathogenic or benign to our knowledge

NM_024757.5(EHMT1):c.1051G>T (p.Asp351Tyr)

Gene: EHMT1 (euchromatic histone lysine methyltransferase 1; plus strand). Cytogenetic location: 9q34.3.
Variant type: single nucleotide variant.
Coding change: c.1051G>T on transcript NM_024757.5 (MANE Select); coding-DNA position 1051, G replaced by T.
Protein change: p.Asp351Tyr; replaces aspartic acid 351 with tyrosine.
Molecular consequence: missense variant.
Genome position (GRCh38, 1-based): chr9:137,743,971, G>T. VCF-style: chr9-137743971-G-T. GRCh37 (hg19) VCF-style: chr9-140638423-G-T.
Other names: c.1051G>T, p.Asp351Tyr (NM_001145527.2, NM_001354611.2); c.958G>T, p.Asp320Tyr (NM_001354259.2, NM_001354612.2); c.1030G>T, p.Asp344Tyr (NM_001354263.2); short protein forms D320Y, D344Y, D351Y.
Identifiers: ClinVar variation 3343199 (VCV003343199.1).